The following is an entry in ClinVar:

ClinVar aggregate classification (germline): Uncertain significance (1 of 4 stars; one submission).

Submission:

GeneDx
Classification: Uncertain significance. Last evaluated: 2026-02-05. Review status: criteria provided, single submitter. Criteria: GeneDx Variant Classification Process June 2021. Collection method: clinical testing. Allele origin: germline. Affected: yes.
Comment: Not observed at significant frequency in large population cohorts (gnomAD); In silico analysis supports that this missense variant has a deleterious effect on protein structure/function; Has not been previously published as pathogenic or benign to our knowledge

NM_138615.3(DHX30):c.1814G>T (p.Gly605Val)

Gene: DHX30 (DExH-box helicase 30; plus strand). Cytogenetic location: 3p21.31.
Variant type: single nucleotide variant.
Coding change: c.1814G>T on transcript NM_138615.3 (MANE Select); coding-DNA position 1814, G replaced by T.
Protein change: p.Gly605Val; replaces glycine 605 with valine.
Molecular consequence: missense variant.
Genome position (GRCh38, 1-based): chr3:47,846,886, G>T. VCF-style: chr3-47846886-G-T. GRCh37 (hg19) VCF-style: chr3-47888376-G-T.
Other names: c.1730G>T, p.Gly577Val (NM_001330990.2); c.1697G>T, p.Gly566Val (NM_014966.4); short protein forms G566V, G577V, G605V.
Identifiers: ClinVar variation 1311089 (VCV001311089.4), dbSNP rs2107136627, ClinGen allele CA352587647.
Genomic context (GRCh38, chr3:47,846,886, plus strand): 5'-TGCGGCTGGTGCTCATGAGTGCCACAGGGGACAATGAGCGCTTCTCCCGATACTTTGGTG[G>T]CTGCCCCGTCATCAAGGTGCCTGGCTTCATGTACCCAGTCAAGGAGCACTACCTAGAGGA-3'
Protein context (NP_619520.1, residues 595-615): DNERFSRYFG[Gly605Val]CPVIKVPGFM